The following is an entry in ClinVar:

NM_001205293.3(CACNA1E):c.6596C>T (p.Ala2199Val)

Gene: CACNA1E (calcium voltage-gated channel subunit alpha1 E; plus strand). Cytogenetic location: 1q25.3.
Variant type: single nucleotide variant.
Coding change: c.6596C>T on transcript NM_001205293.3 (MANE Select); coding-DNA position 6596, C replaced by T.
Protein change: p.Ala2199Val; replaces alanine 2199 with valine.
Molecular consequence: missense variant.
Genome position (GRCh38, 1-based): chr1:181,798,488, C>T. VCF-style: chr1-181798488-C-T. GRCh37 (hg19) VCF-style: chr1-181767624-C-T.
Other names: c.6467C>T, p.Ala2156Val (NM_000721.4); c.6410C>T, p.Ala2137Val (NM_001205294.2); short protein forms A2156V, A2199V, A2137V.
Identifiers: ClinVar variation 1373237 (VCV001373237.8), dbSNP rs2102911282, ClinGen allele CA343845112.
Genomic context (GRCh38, chr1:181,798,488, plus strand): 5'-CGGGCAGCATCTCTCCACCTGCTGATGGAAGCGAGGAGGGCTCCCCGCTGACCTCCCAAG[C>T]TCTGGAGAGCAACAATGCTTGCCTGACCGAGTCTTCCAACTCTCCGCACCCCCAGCAGAG-3'
Protein context (NP_001192222.1, residues 2189-2209): SEEGSPLTSQ[Ala2199Val]LESNNACLTE

ClinVar aggregate classification (germline): Uncertain significance (1 of 4 stars; one submission).

Allele frequency attached by ClinVar (database versions not stated): gnomAD exomes below 0.00001.
gnomAD v4.1: 1 of 1,613,934 alleles (0.000062%); highest among the groups gnomAD compares: Non-Finnish European, 0.000085%; no homozygotes.

Submission:

Labcorp Genetics (formerly Invitae), Labcorp
Classification: Uncertain significance. Last evaluated: 2024-05-15. Review status: criteria provided, single submitter. Criteria: Invitae Variant Classification Sherloc (09022015). Collection method: clinical testing. Allele origin: germline.
Comment: This sequence change replaces alanine, which is neutral and non-polar, with valine, which is neutral and non-polar, at codon 2156 of the CACNA1E protein (p.Ala2156Val). This variant is not present in population databases (gnomAD no frequency). This variant has not been reported in the literature in individuals affected with CACNA1E-related conditions. ClinVar contains an entry for this variant (Variation ID: 1373237). Advanced modeling of protein sequence and biophysical properties (such as structural, functional, and spatial information, amino acid conservation, physicochemical variation, residue mobility, and thermodynamic stability) performed at Invitae indicates that this missense variant is not expected to disrupt CACNA1E protein function with a negative predictive value of 95%. In summary, the available evidence is currently insufficient to determine the role of this variant in disease. Therefore, it has been classified as a Variant of Uncertain Significance.